The following is an entry in ClinVar:

NM_000400.4(ERCC2):c.1355A>G (p.Gln452Arg)

Gene: ERCC2 (ERCC excision repair 2, TFIIH core complex helicase subunit; minus strand). Cytogenetic location: 19q13.32.
Variant type: single nucleotide variant.
Coding change: c.1355A>G on transcript NM_000400.4 (MANE Select); coding-DNA position 1355, A replaced by G.
Protein change: p.Gln452Arg; replaces glutamine 452 with arginine.
Molecular consequence: missense variant.
Genome position (GRCh38, 1-based): chr19:45,357,496, T>C on the plus strand (A>G on the coding strand, the complement: ERCC2 is on the minus strand). VCF-style: chr19-45357496-T-C. GRCh37 (hg19) VCF-style: chr19-45860754-T-C.
Other names: short protein forms Q452R.
Identifiers: ClinVar variation 2447124 (VCV002447124.2), dbSNP rs2514013284, ClinGen allele CA406367489.

ClinVar aggregate classification (germline): Uncertain significance (1 of 4 stars; one submission).

Conditions:
Inborn genetic diseases. Identifiers: MedGen C0950123, MeSH D030342.

Submission:

Ambry Genetics
Classification: Uncertain significance for Inborn genetic diseases. Last evaluated: 2022-11-26. Review status: criteria provided, single submitter. Criteria: Ambry Variant Classification Scheme 2023. Collection method: clinical testing. Allele origin: germline.
Comment: The p.Q452R variant (also known as c.1355A>G), located in coding exon 14 of the ERCC2 gene, results from an A to G substitution at nucleotide position 1355. The glutamine at codon 452 is replaced by arginine, an amino acid with highly similar properties. This amino acid position is conserved. In addition, the in silico prediction for this alteration is inconclusive. Since supporting evidence is limited at this time, the clinical significance of this alteration remains unclear.